The following is an entry in ClinVar:

ClinVar aggregate classification (germline): Benign. Review status: criteria provided, multiple submitters, no conflicts (2 of 4 stars). 3 submissions from 3 submitters: Benign (3). Last evaluated 2018-05-28.

Allele frequency attached by ClinVar (database versions not stated): gnomAD exomes 0.00460 and 0.00516; 1000 Genomes Project 30x 0.00703; 1000 Genomes Project 0.00719; gnomAD 0.00875 and 0.00925; ESP Exome Variant Server 0.00904; ExAC 0.00925; TOPMed 0.00985.
gnomAD v4.1: 8,024 of 1,604,774 alleles (0.5%); highest among the groups gnomAD compares: African/African-American, 1.9%; 34 homozygotes.

Submissions (3):

Labcorp Genetics (formerly Invitae), Labcorp
Classification: Benign. Last evaluated: 2018-05-28. Review status: criteria provided, single submitter. Criteria: Invitae Variant Classification Sherloc (09022015). Collection method: clinical testing. Allele origin: germline.

Laboratory for Molecular Medicine, Mass General Brigham Personalized Medicine
Classification: Benign. Last evaluated: 2016-03-29. Review status: criteria provided, single submitter. Criteria: LMM Criteria. Collection method: clinical testing. Allele origin: germline.
Comment: Variant identified in a genome or exome case(s) and assessed due to predicted null impact of the variant or pathogenic assertions in the literature or databases. Disclaimer: This variant has not undergone full assessment. The following are preliminary notes: Frequency, silent variant not in splice consensus

Breakthrough Genomics
Classification: Benign. Review status: criteria provided, single submitter. Criteria: ACMG Guidelines, 2015. Collection method: not provided. Allele origin: germline. Inheritance: Autosomal recessive inheritance. Affected: yes.

NM_001372106.1(DNAH10):c.9540C>T (p.Asp3180=)

Gene: DNAH10 (dynein axonemal heavy chain 10; plus strand). Cytogenetic location: 12q24.31.
Variant type: single nucleotide variant.
Coding change: c.9540C>T on transcript NM_001372106.1 (MANE Select); coding-DNA position 9540, C replaced by T.
Protein change: p.Asp3180=; no amino-acid change (aspartic acid 3180 retained).
Molecular consequence: synonymous variant.
Genome position (GRCh38, 1-based): chr12:123,898,714, C>T. VCF-style: chr12-123898714-C-T. GRCh37 (hg19) VCF-style: chr12-124383261-C-T.
Other names: c.9186C>T, p.Asp3062= (NM_207437.3).
Identifiers: ClinVar variation 402620 (VCV000402620.8), dbSNP rs61735917, ClinGen allele CA6865092.